The following is an entry in ClinVar:

ClinVar aggregate classification (germline): Pathogenic (1 of 4 stars; one submission).

Conditions:
Autosomal recessive limb-girdle muscular dystrophy type R18 (LGMDR18). Also called: Limb-girdle muscular dystrophy, type 2S; MUSCULAR DYSTROPHY, LIMB-GIRDLE, AUTOSOMAL RECESSIVE 18; Autosomal recessive limb-girdle muscular dystrophy type 2S. Identifiers: Orphanet 369840, MedGen C4517996, MONDO:0014144, OMIM 615356.

Allele frequency attached by ClinVar (database versions not stated): gnomAD exomes 0.00001; ESP Exome Variant Server 0.00008.
gnomAD v4.1: 11 of 1,612,682 alleles (0.00068%); highest among the groups gnomAD compares: Admixed American, 0.0017%; no homozygotes.

Submission:

Labcorp Genetics (formerly Invitae), Labcorp
Classification: Pathogenic for Autosomal recessive limb-girdle muscular dystrophy type R18. Last evaluated: 2026-01-09. Review status: criteria provided, single submitter. Criteria: Invitae Variant Classification Sherloc (09022015). Collection method: clinical testing. Allele origin: germline.
Comment: This sequence change creates a premature translational stop signal (p.Arg296*) in the TRAPPC11 gene. It is expected to result in an absent or disrupted protein product. Loss-of-function variants in TRAPPC11 are known to be pathogenic (PMID: 23830518, 26322222). The frequency data for this variant in the population databases is considered unreliable, as metrics indicate poor data quality at this position in the gnomAD database. This variant has not been reported in the literature in individuals affected with TRAPPC11-related conditions. ClinVar contains an entry for this variant (Variation ID: 2041292). For these reasons, this variant has been classified as Pathogenic.

Literature cited by the submitters: PubMed 23830518; PubMed 26322222.

NM_021942.6(TRAPPC11):c.886C>T (p.Arg296Ter)

Gene: TRAPPC11 (trafficking protein particle complex subunit 11; plus strand). Cytogenetic location: 4q35.1.
Variant type: single nucleotide variant.
Coding change: c.886C>T on transcript NM_021942.6 (MANE Select); coding-DNA position 886, C replaced by T.
Protein change: p.Arg296Ter; replaces arginine 296 with a stop codon.
Molecular consequence: nonsense.
Genome position (GRCh38, 1-based): chr4:183,679,407, C>T. VCF-style: chr4-183679407-C-T. GRCh37 (hg19) VCF-style: chr4-184600560-C-T.
Other names: c.886C>T, p.Arg296Ter (NM_199053.3); short protein forms R296*.
Identifiers: ClinVar variation 2041292 (VCV002041292.5), dbSNP rs374498633, ClinGen allele CA3151735.